The following is an entry in ClinVar:

NM_002519.3(NPAT):c.3761G>A (p.Ser1254Asn)

Gene: NPAT (nuclear protein, coactivator of histone transcription; minus strand). Cytogenetic location: 11q22.3.
Variant type: single nucleotide variant.
Coding change: c.3761G>A on transcript NM_002519.3 (MANE Select); coding-DNA position 3761, G replaced by A.
Protein change: p.Ser1254Asn; replaces serine 1254 with asparagine.
Molecular consequence: missense variant.
Genome position (GRCh38, 1-based): chr11:108,161,325, C>T on the plus strand (G>A on the coding strand, the complement: NPAT is on the minus strand). VCF-style: chr11-108161325-C-T. GRCh37 (hg19) VCF-style: chr11-108032052-C-T.
Other names: c.3782G>A, p.Ser1261Asn (NM_001321307.1); short protein forms S1254N, S1261N.
Identifiers: ClinVar variation 3300688 (VCV003300688.1).

ClinVar aggregate classification (germline): Uncertain significance (1 of 4 stars; one submission).

gnomAD v4.1: 1 of 1,614,142 alleles (0.000062%); highest among the groups gnomAD compares: South Asian, 0.0011%; no homozygotes.

Submission:

Ambry Genetics
Classification: Uncertain significance. Last evaluated: 2024-05-05. Review status: criteria provided, single submitter. Criteria: Ambry Variant Classification Scheme 2023. Collection method: clinical testing. Allele origin: germline.
Comment: The p.S1254N variant (also known as c.3761G>A), located in coding exon 17 of the NPAT gene, results from a G to A substitution at nucleotide position 3761. The serine at codon 1254 is replaced by asparagine, an amino acid with highly similar properties. This amino acid position is conserved. In addition, this alteration is predicted to be tolerated by in silico analysis. Based on the available evidence, the clinical significance of this variant remains unclear.